The following is an entry in ClinVar:

NM_153026.3(PRICKLE1):c.391T>G (p.Leu131Val)

Gene: PRICKLE1 (prickle planar cell polarity protein 1; minus strand). Cytogenetic location: 12q12.
Variant type: single nucleotide variant.
Coding change: c.391T>G on transcript NM_153026.3 (MANE Select); coding-DNA position 391, T replaced by G.
Protein change: p.Leu131Val; replaces leucine 131 with valine.
Molecular consequence: missense variant.
Genome position (GRCh38, 1-based): chr12:42,468,823, A>C on the plus strand (T>G on the coding strand, the complement: PRICKLE1 is on the minus strand). VCF-style: chr12-42468823-A-C. GRCh37 (hg19) VCF-style: chr12-42862625-A-C.
Other names: p.L131V:TTG>GTG; c.391T>G, p.Leu131Val (NM_001144881.2, NM_001144882.2, NM_001144883.2); short protein forms L131V.
Identifiers: ClinVar variation 206652 (VCV000206652.20), dbSNP rs35731866, ClinGen allele CA316957.
Genomic context (GRCh38, chr12:42,468,823, plus strand): 5'-AGCACACACCAGGGCCCGCACGGGAGGCGAACACTGCAACTTCACCTCCATTTATCTTCA[A>C]ACCACACTACAAACAAATGGGTTTGAATGTAAAAGGATCATTTTTTAAAGACAGGATTCT-3'
Protein context (NP_694571.2, residues 121-141): VMHAVCEQCG[Leu131Val]KINGGEVAVF

ClinVar aggregate classification (germline): Uncertain significance. Review status: criteria provided, multiple submitters, no conflicts (2 of 4 stars). 9 submissions from 9 submitters: Uncertain significance (8). 1 of the submissions does not count toward it. Last evaluated 2024-10-14.

Conditions:
PRICKLE1-related disorder. Also called: PRICKLE1-related condition; PRICKLE1-Related Disorders. Identifiers: MedGen CN381536.
Epilepsy, progressive myoclonic, 1B. Also called: PME. Identifiers: Orphanet 308, MedGen C2676254, MONDO:0012904, OMIM 612437.

Allele frequency attached by ClinVar (database versions not stated): gnomAD 0.00011 and 0.00013; TOPMed 0.00014; ESP Exome Variant Server 0.00015; 1000 Genomes Project 30x 0.00016; 1000 Genomes Project 0.00020; gnomAD exomes 0.00029 and 0.00035; ExAC 0.00036.
gnomAD v4.1: 436 of 1,614,116 alleles (0.027%); highest among the groups gnomAD compares: Middle Eastern, 0.28%; 4 homozygotes.

Submissions (9):

Blueprint Genetics
Classification: Uncertain significance. Last evaluated: 2024-10-14. Review status: criteria provided, single submitter. Criteria: ACMG Guidelines, 2015. Collection method: clinical testing. Allele origin: germline.

Ambry Genetics
Classification: Uncertain significance. Last evaluated: 2022-11-15. Review status: criteria provided, single submitter. Criteria: Ambry Variant Classification Scheme 2023. Collection method: clinical testing. Allele origin: germline.

Labcorp Genetics (formerly Invitae), Labcorp
Classification: Uncertain significance for Epilepsy, progressive myoclonic, 1B. Last evaluated: 2022-10-13. Review status: criteria provided, single submitter. Criteria: Invitae Variant Classification Sherloc (09022015). Collection method: clinical testing. Allele origin: germline.
Comment: This sequence change replaces leucine, which is neutral and non-polar, with valine, which is neutral and non-polar, at codon 131 of the PRICKLE1 protein (p.Leu131Val). This variant is present in population databases (rs35731866, gnomAD 0.1%). This variant has not been reported in the literature in individuals affected with PRICKLE1-related conditions. ClinVar contains an entry for this variant (Variation ID: 206652). Advanced modeling of protein sequence and biophysical properties (such as structural, functional, and spatial information, amino acid conservation, physicochemical variation, residue mobility, and thermodynamic stability) performed at Invitae indicates that this missense variant is not expected to disrupt PRICKLE1 protein function. In summary, the available evidence is currently insufficient to determine the role of this variant in disease. Therefore, it has been classified as a Variant of Uncertain Significance.

Center for Genomics, Ann and Robert H. Lurie Children's Hospital of Chicago
Classification: Uncertain significance for Epilepsy, progressive myoclonic, 1B. Last evaluated: 2022-09-07. Review status: criteria provided, single submitter. Criteria: ACMG Guidelines, 2015. Collection method: clinical testing. Allele origin: germline.
Comment: This variant has not been reported in the literature but is present in the Genome Aggregation Database (Highest reported MAF 0.02% (14/68038). This variant is present in ClinVar (Variation ID:

New York Genome Center
Classification: Uncertain significance for Epilepsy, progressive myoclonic, 1B. Last evaluated: 2021-07-07. Review status: criteria provided, single submitter. Criteria: NYGC Assertion Criteria 2020. Collection method: clinical testing. Allele origin: inherited. Observed: 1 heterozygote. Study: CSER-NYCKidSeq.

Dubai Health Genomic Medicine Center, Dubai Health
Classification: Uncertain significance for Epilepsy, progressive myoclonic, 1B. Last evaluated: 2020-05-14. Review status: criteria provided, single submitter. Criteria: ACMG Guidelines, 2015. Collection method: clinical testing. Allele origin: germline. Affected: yes.
Comment: The missense p.Leu131Val in PRICKLE1 has not been previously reported in individuals with disease although it was submitted to ClinVar by multiple clinical laboratories as a variant of uncertain significance. This variant was also observed in 36/30602 (0.12% 0 homozygotes) South Asian alleles in the Genome Aggregation Database (gnomAD) and 3/1984 (0.15% 0 homozygotes) alleles in Greater Middle East (GME) variome database. Computational prediction tools and conservation analyses do not suggest an impact to proteing function however this information is not predictive enough to rule out pathogenicity. In summary additional information is needed to fully assess the clinical significance of this variant.

GeneDx
Classification: Uncertain significance. Last evaluated: 2019-09-30. Review status: criteria provided, single submitter. Criteria: GeneDx Variant Classification Process June 2021. Collection method: clinical testing. Allele origin: germline. Affected: yes.
Comment: In silico analysis, which includes protein predictors and evolutionary conservation, supports that this variant does not alter protein structure/function; Has not been previously published as pathogenic or benign to our knowledge

Breakthrough Genomics
Classification: Uncertain significance. Review status: criteria provided, single submitter. Criteria: ACMG Guidelines, 2015. Collection method: not provided. Allele origin: germline. Inheritance: Autosomal recessive inheritance. Affected: yes.

PreventionGenetics, part of Exact Sciences
Classification: Uncertain significance for PRICKLE1-related condition. Last evaluated: 2024-03-04. Review status: no assertion criteria provided. Collection method: clinical testing. Allele origin: germline. Not counted in ClinVar's aggregate classification.
Comment: The PRICKLE1 c.391T>G variant is predicted to result in the amino acid substitution p.Leu131Val. This variant was reported in the homozygous state in an individual with seizures (Table S10, El Naofal et al. 2023. PubMed ID: 36703223). This variant is reported in 0.12% of alleles in individuals of South Asian descent in gnomAD. Although we suspect that this variant may be benign, at this time, the clinical significance of this variant is uncertain due to the absence of conclusive functional and genetic evidence.